The following is an entry in ClinVar:

ClinVar aggregate classification (germline): Benign (1 of 4 stars; one submission).

Allele frequency attached by ClinVar (database versions not stated): gnomAD 0.11640 and 0.12294; TOPMed 0.13399; 1000 Genomes Project 30x 0.22986; 1000 Genomes Project 0.23263.
gnomAD v4.1: 18,564 of 152,004 alleles (12%); highest among the groups gnomAD compares: East Asian, 52%; 2,052 homozygotes.

Submission:

GeneDx
Classification: Benign. Last evaluated: 2018-06-14. Review status: criteria provided, single submitter. Criteria: GeneDx Variant Classification (06012015). Collection method: clinical testing. Allele origin: germline. Affected: yes.
Comment: This variant is considered likely benign or benign based on one or more of the following criteria: it is a conservative change, it occurs at a poorly conserved position in the protein, it is predicted to be benign by multiple in silico algorithms, and/or has population frequency not consistent with disease.

NM_018109.4(MTPAP):c.556-266C>T

Gene: MTPAP (mitochondrial poly(A) polymerase; minus strand). Cytogenetic location: 10p11.23.
Variant type: single nucleotide variant.
Coding change: c.556-266C>T on transcript NM_018109.4 (MANE Select); 266 bases into the intron before coding-DNA position 556, C replaced by T.
Molecular consequence: intron variant.
Genome position (GRCh38, 1-based): chr10:30,337,293, G>A on the plus strand (C>T on the coding strand, the complement: MTPAP is on the minus strand). VCF-style: chr10-30337293-G-A. GRCh37 (hg19) VCF-style: chr10-30626222-G-A.
Identifiers: ClinVar variation 682641 (VCV000682641.1), dbSNP rs11007998, ClinGen allele CA13288216.